The following is an entry in ClinVar:

NM_000787.4(DBH):c.1733A>C (p.Asn578Thr)

Gene: DBH (dopamine beta-hydroxylase; plus strand). Cytogenetic location: 9q34.2.
Variant type: single nucleotide variant.
Coding change: c.1733A>C on transcript NM_000787.4 (MANE Select); coding-DNA position 1733, A replaced by C.
Protein change: p.Asn578Thr; replaces asparagine 578 with threonine.
Molecular consequence: missense variant.
Genome position (GRCh38, 1-based): chr9:133,658,326, A>C. VCF-style: chr9-133658326-A-C. GRCh37 (hg19) VCF-style: chr9-136523448-A-C.
Other names: short protein forms N578T.
Identifiers: ClinVar variation 1394622 (VCV001394622.8), dbSNP rs1477851671, ClinGen allele CA375422870.

ClinVar aggregate classification (germline): Uncertain significance (1 of 4 stars; one submission).

Conditions:
Orthostatic hypotension 1 (ORTHYP1). Also called: NORADRENALINE DEFICIENCY; NOREPINEPHRINE DEFICIENCY; Dopamine beta-hydroxylase deficiency; Orthostatic hypotension 1, due to DBH deficiency. Identifiers: Orphanet 230, MedGen C4746777, MONDO:0009123, OMIM 223360.

Allele frequency attached by ClinVar (database versions not stated): gnomAD exomes below 0.00001; gnomAD 0.00001.
gnomAD v4.1: 2 of 1,613,530 alleles (0.00012%); highest among the groups gnomAD compares: Admixed American, 0.0033%; no homozygotes.

Submission:

Labcorp Genetics (formerly Invitae), Labcorp
Classification: Uncertain significance for Orthostatic hypotension 1. Last evaluated: 2021-10-17. Review status: criteria provided, single submitter. Criteria: Invitae Variant Classification Sherloc (09022015). Collection method: clinical testing. Allele origin: germline.
Comment: This sequence change replaces asparagine with threonine at codon 578 of the DBH protein (p.Asn578Thr). The asparagine residue is weakly conserved and there is a small physicochemical difference between asparagine and threonine. This variant is not present in population databases (ExAC no frequency). This variant has not been reported in the literature in individuals affected with DBH-related conditions. Algorithms developed to predict the effect of missense changes on protein structure and function (SIFT, PolyPhen-2, Align-GVGD) all suggest that this variant is likely to be tolerated. In summary, the available evidence is currently insufficient to determine the role of this variant in disease. Therefore, it has been classified as a Variant of Uncertain Significance.